The following is an entry in ClinVar:

NM_052865.4(MGME1):c.702A>G (p.Ile234Met)

Gene: MGME1 (mitochondrial genome maintenance exonuclease 1; plus strand). Cytogenetic location: 20p11.23.
Variant type: single nucleotide variant.
Coding change: c.702A>G on transcript NM_052865.4 (MANE Select); coding-DNA position 702, A replaced by G.
Protein change: p.Ile234Met; replaces isoleucine 234 with methionine.
Molecular consequence: missense variant. On other transcripts: intron variant (1).
Genome position (GRCh38, 1-based): chr20:17,975,874, A>G. VCF-style: chr20-17975874-A-G. GRCh37 (hg19) VCF-style: chr20-17956517-A-G.
Other names: c.747A>G, p.Ile249Met (NM_001310338.2); c.462A>G, p.Ile154Met (NM_001363738.2); c.511+5504A>G (NM_001310339.2); short protein forms I154M, I234M, I249M.
Identifiers: ClinVar variation 2295310 (VCV002295310.6), dbSNP rs746698375, ClinGen allele CA9774998.

ClinVar aggregate classification (germline): Uncertain significance. Review status: criteria provided, multiple submitters, no conflicts (2 of 4 stars). 3 submissions from 3 submitters: Uncertain significance (3). Last evaluated 2023-09-30.

Conditions:
Inborn genetic diseases. Identifiers: MedGen C0950123, MeSH D030342.

Allele frequency attached by ClinVar (database versions not stated): ExAC 0.00002.
gnomAD v4.1: 19 of 1,614,060 alleles (0.0012%); highest among the groups gnomAD compares: South Asian, 0.02%; no homozygotes.

Submissions (3):

Labcorp Genetics (formerly Invitae), Labcorp
Classification: Uncertain significance. Last evaluated: 2023-09-30. Review status: criteria provided, single submitter. Criteria: Invitae Variant Classification Sherloc (09022015). Collection method: clinical testing. Allele origin: germline.
Comment: This variant has not been reported in the literature in individuals affected with MGME1-related conditions. This sequence change replaces isoleucine, which is neutral and non-polar, with methionine, which is neutral and non-polar, at codon 234 of the MGME1 protein (p.Ile234Met). This variant is present in population databases (rs746698375, gnomAD 0.02%). ClinVar contains an entry for this variant (Variation ID: 2295310). Advanced modeling of protein sequence and biophysical properties (such as structural, functional, and spatial information, amino acid conservation, physicochemical variation, residue mobility, and thermodynamic stability) performed at Invitae indicates that this missense variant is not expected to disrupt MGME1 protein function. In summary, the available evidence is currently insufficient to determine the role of this variant in disease. Therefore, it has been classified as a Variant of Uncertain Significance.

Ambry Genetics
Classification: Uncertain significance for Inborn genetic diseases. Last evaluated: 2022-06-10. Review status: criteria provided, single submitter. Criteria: Ambry Variant Classification Scheme 2023. Collection method: clinical testing. Allele origin: germline.

Breakthrough Genomics
Classification: Uncertain significance. Review status: criteria provided, single submitter. Criteria: ACMG Guidelines, 2015. Collection method: not provided. Allele origin: germline. Inheritance: Autosomal dominant inheritance. Affected: yes.